The following is an entry in ClinVar:

NM_001009944.3(PKD1):c.12138+2T>A

Gene: PKD1 (polycystin 1, transient receptor potential channel interacting; minus strand). Cytogenetic location: 16p13.3.
Variant type: single nucleotide variant.
Coding change: c.12138+2T>A on transcript NM_001009944.3 (MANE Select); the canonical splice donor site of the intron after coding-DNA position 12138, T replaced by A.
Molecular consequence: splice donor variant.
Genome position (GRCh38, 1-based): chr16:2,090,672, A>T on the plus strand (T>A on the coding strand, the complement: PKD1 is on the minus strand). VCF-style: chr16-2090672-A-T. GRCh37 (hg19) VCF-style: chr16-2140673-A-T.
Other names: c.12135+2T>A (NM_000296.4).
Identifiers: ClinVar variation 3774583 (VCV003774583.1).

ClinVar aggregate classification (germline): Pathogenic (1 of 4 stars; one submission).

Conditions:
Polycystic kidney disease, adult type (PKD1). Also called: Polycystic Kidney, Autosomal Dominant; POLYCYSTIC KIDNEY DISEASE 1 WITH OR WITHOUT POLYCYSTIC LIVER DISEASE; Polycystic Kidney Disease 1, Autosomal Dominant; Polycystic kidney disease 1; Polycystic kidney disease 1, severe; POLYCYSTIC KIDNEY DISEASE, ADULT, TYPE I. Identifiers: MedGen C3149841, MONDO:0008263, OMIM 173900.

Submission:

MVZ Medizinische Genetik Mainz
Classification: Pathogenic for Polycystic kidney disease, adult type. Last evaluated: 2025-02-18. Review status: criteria provided, single submitter. Criteria: UK Practice Guidelines For Variant Classification V4 01 2020. Collection method: clinical testing. Allele origin: germline. Inheritance: Autosomal dominant inheritance. Affected: yes. Observed: 1 variant allele.
Comment: ACMG Criteria: PVS1,PS1_SUP,PM2_SUP,PP4